The following is an entry in ClinVar:

NM_004304.5(ALK):c.2775A>G (p.Gly925=)

Gene: ALK (ALK receptor tyrosine kinase; minus strand). Cytogenetic location: 2p23.2.
Variant type: single nucleotide variant.
Coding change: c.2775A>G on transcript NM_004304.5 (MANE Select); coding-DNA position 2775, A replaced by G.
Protein change: p.Gly925=; no amino-acid change (glycine 925 retained).
Molecular consequence: synonymous variant.
Genome position (GRCh38, 1-based): chr2:29,228,924, T>C on the plus strand (A>G on the coding strand, the complement: ALK is on the minus strand). VCF-style: chr2-29228924-T-C. GRCh37 (hg19) VCF-style: chr2-29451790-T-C.
Identifiers: ClinVar variation 895174 (VCV000895174.8), dbSNP rs777406442, ClinGen allele CA1594200.

ClinVar aggregate classification (germline): Benign/Likely benign. Review status: criteria provided, multiple submitters, no conflicts (2 of 4 stars). 4 submissions from 4 submitters: Benign (2); Likely benign (2). Last evaluated 2024-09-24.

Conditions:
Hereditary cancer-predisposing syndrome. Also called: Hereditary Cancer Syndrome; Tumor predisposition; Neoplastic Syndromes, Hereditary; Hereditary neoplastic syndrome. Identifiers: Orphanet 140162, MedGen C0027672, MeSH D009386, MONDO:0015356.
Neuroblastoma, susceptibility to, 3. Also called: ALK-Related Neuroblastic Tumor Susceptibility. Identifiers: Orphanet 635, MedGen C2751681, MONDO:0013083, OMIM 613014.

Allele frequency attached by ClinVar (database versions not stated): ExAC 0.00079.

Submissions (4):

Blueprint Genetics
Classification: Likely benign. Last evaluated: 2024-09-24. Review status: criteria provided, single submitter. Criteria: ACMG Guidelines, 2015. Collection method: clinical testing. Allele origin: germline.

Ambry Genetics
Classification: Likely benign for Hereditary cancer-predisposing syndrome. Last evaluated: 2022-03-01. Review status: criteria provided, single submitter. Criteria: Ambry Variant Classification Scheme 2023. Collection method: clinical testing. Allele origin: germline.

Illumina Laboratory Services, Illumina
Classification: Benign for Neuroblastoma, susceptibility to, 3. Last evaluated: 2018-01-12. Review status: criteria provided, single submitter. Criteria: ICSL Variant Classification Criteria 13 December 2019. Collection method: clinical testing. Allele origin: germline.
Comment: This variant was observed in the ICSL laboratory as part of a predisposition screen in an ostensibly healthy population. It had not been previously curated by ICSL or reported in the Human Gene Mutation Database (HGMD: prior to June 1st, 2018), and was therefore a candidate for classification through an automated scoring system. Utilizing variant allele frequency, disease prevalence and penetrance estimates, and inheritance mode, an automated score was calculated to assess if this variant is too frequent to cause the disease. Based on the score and internal cut-off values, a variant classified as benign is not then subjected to further curation. The score for this variant resulted in a classification of benign for this disease.

Breakthrough Genomics
Classification: Benign. Review status: criteria provided, single submitter. Criteria: ACMG Guidelines, 2015. Collection method: not provided. Allele origin: germline. Inheritance: Unknown mechanism. Affected: yes.